The following is an entry in ClinVar:

ClinVar aggregate classification (germline): Benign. Review status: criteria provided, multiple submitters, no conflicts (2 of 4 stars). 9 submissions from 9 submitters: Benign (9). Last evaluated 2026-01-31.

Conditions:
Usher syndrome type 2C. Also called: Usher syndrome, type 2B; USHER SYNDROME, TYPE IIC. Identifiers: Orphanet 231178, Orphanet 886, MedGen C2931213, MONDO:0011558, OMIM 605472.

Allele frequency attached by ClinVar (database versions not stated): gnomAD exomes 0.00548 and 0.00156; ExAC 0.00975; ESP Exome Variant Server 0.01937; gnomAD 0.01966 and 0.02108; TOPMed 0.02171; 1000 Genomes Project 0.02216; 1000 Genomes Project 30x 0.02342.
gnomAD v4.1: 5,117 of 1,461,344 alleles (0.35%); highest among the groups gnomAD compares: African/African-American, 6.6%; 146 homozygotes.

Submissions (9):

Labcorp Genetics (formerly Invitae), Labcorp
Classification: Benign. Last evaluated: 2026-01-31. Review status: criteria provided, single submitter. Criteria: Invitae Variant Classification Sherloc (09022015). Collection method: clinical testing. Allele origin: germline.

ARUP Laboratories, Molecular Genetics and Genomics, ARUP Laboratories
Classification: Benign. Last evaluated: 2023-10-16. Review status: criteria provided, single submitter. Criteria: ARUP Molecular Germline Variant Investigation Process 2024. Collection method: clinical testing. Allele origin: germline.

Mayo Clinic Laboratories, Mayo Clinic
Classification: Benign. Last evaluated: 2020-10-05. Review status: criteria provided, single submitter. Criteria: ACMG Guidelines, 2015. Collection method: clinical testing. Allele origin: germline. Observed: 4 variant alleles.

Illumina Laboratory Services, Illumina
Classification: Benign for Usher syndrome type 2C. Last evaluated: 2018-01-13. Review status: criteria provided, single submitter. Criteria: ICSL Variant Classification Criteria 13 December 2019. Collection method: clinical testing. Allele origin: germline.
Comment: This variant was observed in the ICSL laboratory as part of a predisposition screen in an ostensibly healthy population. It had not been previously curated by ICSL or reported in the Human Gene Mutation Database (HGMD: prior to June 1st, 2018), and was therefore a candidate for classification through an automated scoring system. Utilizing variant allele frequency, disease prevalence and penetrance estimates, and inheritance mode, an automated score was calculated to assess if this variant is too frequent to cause the disease. Based on the score and internal cut-off values, a variant classified as benign is not then subjected to further curation. The score for this variant resulted in a classification of benign for this disease.

Athena Diagnostics
Classification: Benign. Last evaluated: 2017-12-14. Review status: criteria provided, single submitter. Criteria: Athena Diagnostics Criteria. Collection method: clinical testing. Allele origin: germline.

Eurofins Ntd Llc (ga)
Classification: Benign. Last evaluated: 2014-06-18. Review status: criteria provided, single submitter. Criteria: EGL Classification Definitions 2015. Collection method: clinical testing. Allele origin: germline. Observed: 1 variant allele, 1 heterozygote.

GeneDx
Classification: Benign. Last evaluated: 2013-06-06. Review status: criteria provided, single submitter. Criteria: GeneDx Variant Classification (06012015). Collection method: clinical testing. Allele origin: germline. Affected: yes.
Comment: This variant is considered likely benign or benign based on one or more of the following criteria: it is a conservative change, it occurs at a poorly conserved position in the protein, it is predicted to be benign by multiple in silico algorithms, and/or has population frequency not consistent with disease.

Laboratory for Molecular Medicine, Mass General Brigham Personalized Medicine
Classification: Benign. Last evaluated: 2012-05-07. Review status: criteria provided, single submitter. Criteria: LMM Criteria. Collection method: clinical testing. Allele origin: germline. Observed: 23 variant alleles.
Comment: Phe3347Leu in Exon 47 of GPR98: This variant is not expected to have clinical si gnificance because it has been identified in 5.8% (166/2862) of African American chromosomes from a broad population by the NHLBI Exome Sequencing Project (dbSNP rs10067636).

PreventionGenetics, part of Exact Sciences
Classification: Benign. Review status: criteria provided, single submitter. Criteria: ACMG Guidelines, 2015. Collection method: clinical testing. Allele origin: germline.

NM_032119.4(ADGRV1):c.10039T>C (p.Phe3347Leu)

Gene: ADGRV1 (adhesion G protein-coupled receptor V1; plus strand). Cytogenetic location: 5q14.3.
Variant type: single nucleotide variant.
Coding change: c.10039T>C on transcript NM_032119.4 (MANE Select); coding-DNA position 10039, T replaced by C.
Protein change: p.Phe3347Leu; replaces phenylalanine 3347 with leucine.
Molecular consequence: missense variant. On other transcripts: non-coding transcript variant (1).
Genome position (GRCh38, 1-based): chr5:90,725,218, T>C. VCF-style: chr5-90725218-T-C. GRCh37 (hg19) VCF-style: chr5-90021035-T-C.
Other names: p.F3347L:TTT>CTT; short protein forms F3347L.
Identifiers: ClinVar variation 46244 (VCV000046244.32), dbSNP rs10067636, ClinGen allele CA137985.